The following is an entry in ClinVar:

NC_000005.10:g.112707363_112707364delinsCT

Gene: APC (APC regulator of Wnt signaling pathway; plus strand). Cytogenetic location: 5q22.2.
Variant type: Indel.
Genome position: GRCh38 VCF-style: chr5-112707363-GC-CT. GRCh37 (hg19) VCF-style: chr5-112043060-GC-CT.
Identifiers: ClinVar variation 1487027 (VCV001487027.6), dbSNP rs2149628190, ClinGen allele CA2573138740.

ClinVar aggregate classification (germline): Uncertain significance (1 of 4 stars; one submission).

Conditions:
Familial adenomatous polyposis 1 (FAP1). Also called: POLYPOSIS, ADENOMATOUS INTESTINAL; FAMILIAL ADENOMATOUS POLYPOSIS 1, ATTENUATED. Identifiers: MedGen C2713442, MONDO:0021056, OMIM 175100. Disease mechanism: loss of function.

Submission:

Labcorp Genetics (formerly Invitae), Labcorp
Classification: Uncertain significance for Familial adenomatous polyposis 1. Last evaluated: 2020-11-27. Review status: criteria provided, single submitter. Criteria: Invitae Variant Classification Sherloc (09022015). Collection method: clinical testing. Allele origin: germline.
Comment: This variant occurs in a non-coding region of the APC gene. It does not change the encoded amino acid sequence of the APC protein. The frequency data for this variant in the population databases is considered unreliable, as metrics indicate insufficient coverage at this position in the ExAC database. This variant has not been reported in the literature in individuals with APC-related conditions. Experimental studies and prediction algorithms are not available or were not evaluated, and the functional significance of this variant is currently unknown. In summary, the available evidence is currently insufficient to determine the role of this variant in disease. Therefore, it has been classified as a Variant of Uncertain Significance.